The following is an entry in ClinVar:

ClinVar aggregate classification (germline): Uncertain significance (1 of 4 stars; one submission).

Allele frequency attached by ClinVar (database versions not stated): gnomAD exomes below 0.00001.
gnomAD v4.1: 2 of 1,443,222 alleles (0.00014%); highest among the groups gnomAD compares: Admixed American, 0.003%; no homozygotes.

Submission:

Labcorp Genetics (formerly Invitae), Labcorp
Classification: Uncertain significance. Last evaluated: 2022-08-19. Review status: criteria provided, single submitter. Criteria: Invitae Variant Classification Sherloc (09022015). Collection method: clinical testing. Allele origin: germline.
Comment: This sequence change falls in intron 12 of the MPDZ gene. It does not directly change the encoded amino acid sequence of the MPDZ protein. It affects a nucleotide within the consensus splice site. This variant is not present in population databases (gnomAD no frequency). This variant has not been reported in the literature in individuals affected with MPDZ-related conditions. Variants that disrupt the consensus splice site are a relatively common cause of aberrant splicing (PMID: 17576681, 9536098). Algorithms developed to predict the effect of sequence changes on RNA splicing suggest that this variant is not likely to affect RNA splicing. In summary, the available evidence is currently insufficient to determine the role of this variant in disease. Therefore, it has been classified as a Variant of Uncertain Significance.

Literature cited by the submitters: PubMed 17576681; PubMed 9536098.

NM_001378778.1(MPDZ):c.1546+6C>T

Gene: MPDZ (multiple PDZ domain crumbs cell polarity complex component; minus strand). Cytogenetic location: 9p23.
Variant type: single nucleotide variant.
Coding change: c.1546+6C>T on transcript NM_001378778.1 (MANE Select); 6 bases into the intron after coding-DNA position 1546, C replaced by T.
Molecular consequence: intron variant.
Genome position (GRCh38, 1-based): chr9:13,205,030, G>A on the plus strand (C>T on the coding strand, the complement: MPDZ is on the minus strand). VCF-style: chr9-13205030-G-A. GRCh37 (hg19) VCF-style: chr9-13205029-G-A.
Other names: c.1546+6C>T (NM_001375425.1, NM_001375420.1, NM_001375419.1 and 14 more transcripts).
Identifiers: ClinVar variation 1938503 (VCV001938503.2), dbSNP rs2495738630, ClinGen allele CA2580079227.